The following is an entry in ClinVar:

NM_001375567.1(FOCAD):c.5125G>A (p.Ala1709Thr)

Gene: FOCAD (focadhesin; plus strand). Cytogenetic location: 9p21.3.
Variant type: single nucleotide variant.
Coding change: c.5125G>A on transcript NM_001375567.1 (MANE Select); coding-DNA position 5125, G replaced by A.
Protein change: p.Ala1709Thr; replaces alanine 1709 with threonine.
Molecular consequence: missense variant.
Genome position (GRCh38, 1-based): chr9:20,990,243, G>A. VCF-style: chr9-20990243-G-A. GRCh37 (hg19) VCF-style: chr9-20990242-G-A.
Other names: c.5125G>A (NM_017794.4); c.5020G>A, p.Ala1674Thr (NM_001375568.1, NM_001375570.1); c.5125G>A, p.Ala1709Thr (NM_017794.5); short protein forms A1674T, A1709T.
Identifiers: ClinVar variation 2882292 (VCV002882292.5), dbSNP rs141891300, ClinGen allele CA5008206.

ClinVar aggregate classification (germline): Likely benign. Review status: criteria provided, single submitter (1 of 4 stars). 2 submissions from 2 submitters: Likely benign (1). 1 of the submissions does not count toward it. Last evaluated 2025-07-17.

Conditions:
FOCAD-related disorder. Also called: FOCAD-related condition.

Allele frequency attached by ClinVar (database versions not stated): 1000 Genomes Project 0.00120; gnomAD 0.00013; ExAC 0.00040; TOPMed 0.00015; 1000 Genomes Project 30x 0.00094.
gnomAD v4.1: 222 of 1,614,206 alleles (0.014%); highest among the groups gnomAD compares: East Asian, 0.46%; no homozygotes.

Submissions (2):

Labcorp Genetics (formerly Invitae), Labcorp
Classification: Likely benign. Last evaluated: 2025-07-17. Review status: criteria provided, single submitter. Criteria: Invitae Variant Classification Sherloc (09022015). Collection method: clinical testing. Allele origin: germline.

PreventionGenetics, part of Exact Sciences
Classification: Likely benign for FOCAD-related condition. Last evaluated: 2022-04-15. Review status: no assertion criteria provided. Collection method: clinical testing. Allele origin: germline. Not counted in ClinVar's aggregate classification.
Comment: This variant is classified as likely benign based on ACMG/AMP sequence variant interpretation guidelines (Richards et al. 2015 PMID: 25741868, with internal and published modifications).